The following is an entry in ClinVar:

ClinVar aggregate classification (germline): Pathogenic. Review status: criteria provided, multiple submitters, no conflicts (2 of 4 stars). 4 submissions from 4 submitters: Pathogenic (4). Last evaluated 2025-09-05.

Conditions:
Hereditary cancer-predisposing syndrome. Also called: Hereditary neoplastic syndrome; Hereditary Cancer Syndrome; Neoplastic Syndromes, Hereditary; Tumor predisposition. Identifiers: Orphanet 140162, MedGen C0027672, MeSH D009386, MONDO:0015356.
Familial cancer of breast. Also called: Hereditary breast cancer; BREAST CANCER, FAMILIAL; hereditary breast carcinoma. Identifiers: Orphanet 227535, MedGen C0346153, MONDO:0016419, OMIM 114480. Disease mechanism: loss of function.

Allele frequency attached by ClinVar (database versions not stated): gnomAD exomes below 0.00001.
gnomAD v4.1: 1 of 1,613,716 alleles (0.000062%); highest among the groups gnomAD compares: Non-Finnish European, 0.000085%; no homozygotes.

Submissions (4):

Ambry Genetics
Classification: Pathogenic for Hereditary cancer-predisposing syndrome. Last evaluated: 2025-09-05. Review status: criteria provided, single submitter. Criteria: Ambry Variant Classification Scheme 2023. Collection method: clinical testing. Allele origin: germline.
Comment: The p.Y1055* pathogenic mutation (also known as c.3165C>A), located in coding exon 11 of the PALB2 gene, results from a C to A substitution at nucleotide position 3165. This changes the amino acid from a tyrosine to a stop codon within coding exon 11. This variant is considered to be rare based on population cohorts in the Genome Aggregation Database (gnomAD). This alteration is expected to result in loss of function by premature protein truncation or nonsense-mediated mRNA decay. As such, this alteration is interpreted as a disease-causing mutation.

Labcorp Genetics (formerly Invitae), Labcorp
Classification: Pathogenic for Familial cancer of breast. Last evaluated: 2024-02-09. Review status: criteria provided, single submitter. Criteria: Invitae Variant Classification Sherloc (09022015). Collection method: clinical testing. Allele origin: germline.
Comment: This sequence change creates a premature translational stop signal (p.Tyr1055*) in the PALB2 gene. It is expected to result in an absent or disrupted protein product. Loss-of-function variants in PALB2 are known to be pathogenic (PMID: 17200668, 17200671, 17200672, 24136930, 25099575). This variant is not present in population databases (gnomAD no frequency). This premature translational stop signal has been observed in individual(s) with personal and/or family history of breast and/or ovarian cancer (PMID: 27616075, 29752822). ClinVar contains an entry for this variant (Variation ID: 229713). Algorithms developed to predict the effect of sequence changes on RNA splicing suggest that this variant may disrupt the consensus splice site. For these reasons, this variant has been classified as Pathogenic.

Quest Diagnostics Nichols Institute San Juan Capistrano
Classification: Pathogenic. Last evaluated: 2023-10-11. Review status: criteria provided, single submitter. Criteria: Quest Diagnostics criteria. Collection method: clinical testing. Allele origin: unknown.
Comment: The PALB2 c.3165C>A (p.Tyr1055*) variant causes the premature termination of PALB2 protein synthesis. This variant has been reported in the published literature in individuals with breast cancer (PMID: 32997802 (2021), 29752822 (2018), 30257646 (2018), 27616075 (2016)). In a large-scale breast cancer association study, the variant was observed in an individual with breast cancer (PMID: 33471991 (2021), see also LOVD). This variant has not been reported in large, multi-ethnic general populations (Genome Aggregation Database). Based on the available information, this variant is classified as pathogenic.

Myriad Genetics, Inc.
Classification: Pathogenic for Familial cancer of breast. Last evaluated: 2023-09-14. Review status: criteria provided, single submitter. Criteria: Myriad Autosomal Dominant, Autosomal Recessive and X-Linked Classification Criteria (2023). Collection method: clinical testing. Allele origin: unknown.
Comment: This variant is considered pathogenic. This variant creates a termination codon and is predicted to result in premature protein truncation.

Literature cited by the submitters: PubMed 29752822 (cited by 3 submitters); PubMed 30257646 (cited by Ambry Genetics and Quest Diagnostics Nichols Institute San Juan Capistrano); PubMed 32997802 (cited by Ambry Genetics and Quest Diagnostics Nichols Institute San Juan Capistrano); PubMed 33471991 (cited by Ambry Genetics and Quest Diagnostics Nichols Institute San Juan Capistrano); PubMed 17200668 (cited by Labcorp Genetics (formerly Invitae), Labcorp); PubMed 17200671 (cited by Labcorp Genetics (formerly Invitae), Labcorp); PubMed 17200672 (cited by Labcorp Genetics (formerly Invitae), Labcorp); PubMed 24136930 (cited by Labcorp Genetics (formerly Invitae), Labcorp); PubMed 25099575 (cited by Labcorp Genetics (formerly Invitae), Labcorp); PubMed 27616075 (cited by Labcorp Genetics (formerly Invitae), Labcorp and Quest Diagnostics Nichols Institute San Juan Capistrano).

NM_024675.4(PALB2):c.3165C>A (p.Tyr1055Ter)

Gene: PALB2 (partner and localizer of BRCA2; minus strand). Cytogenetic location: 16p12.2.
Variant type: single nucleotide variant.
Coding change: c.3165C>A on transcript NM_024675.4 (MANE Select); coding-DNA position 3165, C replaced by A.
Protein change: p.Tyr1055Ter; replaces tyrosine 1055 with a stop codon.
Molecular consequence: nonsense.
Genome position (GRCh38, 1-based): chr16:23,614,040, G>T on the plus strand (C>A on the coding strand, the complement: PALB2 is on the minus strand). VCF-style: chr16-23614040-G-T. GRCh37 (hg19) VCF-style: chr16-23625361-G-T.
Other names: short protein forms Y1055*.
Identifiers: ClinVar variation 229713 (VCV000229713.17), dbSNP rs876658157, ClinGen allele CA10579929.